The following is an entry in ClinVar:

NM_000277.3(PAH):c.125A>T (p.Lys42Ile)

Gene: PAH (phenylalanine hydroxylase; minus strand). Cytogenetic location: 12q23.2.
Variant type: single nucleotide variant.
Coding change: c.125A>T on transcript NM_000277.3 (MANE Select); coding-DNA position 125, A replaced by T.
Protein change: p.Lys42Ile; replaces lysine 42 with isoleucine.
Molecular consequence: missense variant.
Genome position (GRCh38, 1-based): chr12:102,912,834, T>A on the plus strand (A>T on the coding strand, the complement: PAH is on the minus strand). VCF-style: chr12-102912834-T-A. GRCh37 (hg19) VCF-style: chr12-103306612-T-A.
Other names: c.125A>T, p.Lys42Ile (NM_001354304.2); short protein forms K42I.
Identifiers: ClinVar variation 102581 (VCV000102581.2), dbSNP rs62635346, ClinGen allele CA229419.

ClinVar aggregate classification (germline): Likely pathogenic. Review status: reviewed by expert panel (3 of 4 stars). 2 submissions from 2 submitters: Likely pathogenic (1). 1 of the submissions does not count toward it. Last evaluated 2019-04-07.

Conditions:
Phenylketonuria (PKU). Also called: Phenylketonuria (PKU); FOLLING DISEASE; OLIGOPHRENIA PHENYLPYRUVICA; Phenylketonurias. Identifiers: Orphanet 716, MedGen C0031485, MONDO:0009861, OMIM 261600. Disease mechanism: loss of function.

Submissions (2):

ClinGen PAH Variant Curation Expert Panel
Classification: Likely pathogenic for Phenylketonuria. Last evaluated: 2019-04-07. Review status: reviewed by expert panel. Criteria: ClinGen PAH ACMG Specifications v1. Collection method: curation. Allele origin: germline. Inheritance: Autosomal recessive inheritance.
Comment: The c.125A>T (p.Lys42Ile) variant in PAH has been reported in 1 individual with classic PKU (BH4 deficiency not assessed/reported). (PP4; PMID: 9380432; 9781015). This variant is absent in population databases (PM2). This variant was detected with p.E280K (Pathogenic in ClinVar) (PM3). This variant has 12% enzyme activity in vitro (PS3; PMID: 21953985). Computational evidence is conflicting. In summary, this variant meets criteria to be classified as likely pathogenic for PAH. PAH-specific ACMG/AMP criteria applied: PS3, PP4, PM2, PM3.

DeBelle Laboratory for Biochemical Genetics, MUHC/MCH RESEARCH INSTITUTE
No classification provided. Review status: no classification provided. Collection method: not provided. Allele origin: not provided. Not counted in ClinVar's aggregate classification.

Literature cited by the submitters: PubMed 21953985 (cited by ClinGen PAH Variant Curation Expert Panel); PubMed 9781015 (cited by ClinGen PAH Variant Curation Expert Panel); PubMed 9380432 (cited by ClinGen PAH Variant Curation Expert Panel); PubMed 11461190 (cited by ClinGen PAH Variant Curation Expert Panel).